The following is an entry in ClinVar:

NM_021954.4(GJA3):c.84G>A (p.Val28=)

Gene: GJA3 (gap junction protein alpha 3; minus strand). Cytogenetic location: 13q12.11.
Variant type: single nucleotide variant.
Coding change: c.84G>A on transcript NM_021954.4 (MANE Select); coding-DNA position 84, G replaced by A.
Protein change: p.Val28=; no amino-acid change (valine 28 retained).
Molecular consequence: synonymous variant.
Genome position (GRCh38, 1-based): chr13:20,143,205, C>T on the plus strand (G>A on the coding strand, the complement: GJA3 is on the minus strand). VCF-style: chr13-20143205-C-T. GRCh37 (hg19) VCF-style: chr13-20717344-C-T.
Identifiers: ClinVar variation 311349 (VCV000311349.11), dbSNP rs531379398, ClinGen allele CA6904183.
Genomic context (GRCh38, chr13:20,143,205, plus strand): 5'-CTCATCGCCCCACACGTCCTCCGCCGCGGCCCCCAGCACCAAGATGCGGAAGATGAACAG[C>T]ACGGTCAGCCAAACCTTGCCGATGACCGTGGAGTGCTCCTGTGCATTTTCTAAGAGTCTT-3'
Protein context (NP_068773.2, residues 18-38): STVIGKVWLT[Val28=]LFIFRILVLG

ClinVar aggregate classification (germline): Benign/Likely benign. Review status: criteria provided, multiple submitters, no conflicts (2 of 4 stars). 4 submissions from 4 submitters: Benign (1); Likely benign (2). 1 of the submissions does not count toward it. Last evaluated 2024-03-06.

Conditions:
Cataract 14 multiple types. Also called: CATARACT 14, ZONULAR PULVERULENT; CATARACT 14, NUCLEAR PULVERULENT; CATARACT 14, NUCLEAR PULVERULENT AND POSTERIOR POLAR; CATARACT 14, NUCLEAR CORALLIFORM; CATARACT 14, EMBRYONAL NUCLEAR; CATARACT 14, COPPOCK-LIKE. Identifiers: Orphanet 91492, MedGen C1866078, MONDO:0011162, OMIM 601885.
GJA3-related disorder. Also called: GJA3-related condition.

Allele frequency attached by ClinVar (database versions not stated): gnomAD 0.00001 and 0.00018; TOPMed 0.00005; ExAC 0.00074; 1000 Genomes Project 30x 0.00078; 1000 Genomes Project 0.00080; gnomAD exomes 0.00080.
gnomAD v4.1: 630 of 1,581,858 alleles (0.04%); highest among the groups gnomAD compares: South Asian, 0.71%; 8 homozygotes.

Submissions (4):

Labcorp Genetics (formerly Invitae), Labcorp
Classification: Benign for Cataract 14 multiple types. Last evaluated: 2024-03-06. Review status: criteria provided, single submitter. Criteria: Invitae Variant Classification Sherloc (09022015). Collection method: clinical testing. Allele origin: germline.

Dept. Genetics and Cancer, Menzies Institute for Medical Research, University of Tasmania
Classification: Likely benign for Cataract 14 multiple types. Last evaluated: 2023-01-21. Review status: criteria provided, single submitter. Criteria: ACMG Guidelines, 2015. Collection method: curation. Allele origin: germline. Affected: yes.
Comment: Variant identified and curated during a GJA3 specific review of the literature in relation to pediatric or congenital cataract. ACMG-AMP criteria applied: BS1(Moderate), BP4. Original variant report: PMID:23734083. The cataract phenotype reported for this variant is: Posterior subcapsular. Additional phenotype/s reported in these individual/s are: Nystagmus. Gene review and curation guidelines are outlined in: DOI 10.1080/17469899.2023.2160320

Illumina Laboratory Services, Illumina
Classification: Likely benign for Cataract 14 multiple types. Last evaluated: 2017-04-28. Review status: criteria provided, single submitter. Criteria: ICSL Variant Classification Criteria 13 December 2019. Collection method: clinical testing. Allele origin: germline.
Comment: This variant was observed as part of a predisposition screen in an ostensibly healthy population. A literature search was performed for the gene, cDNA change, and amino acid change (where applicable). Publications were found based on this search. The evidence from the literature, in combination with allele frequency data from public databases where available, was sufficient to determine this variant is unlikely to cause disease. Therefore, this variant is classified as likely benign.

PreventionGenetics, part of Exact Sciences
Classification: Likely benign for GJA3-related condition. Last evaluated: 2020-07-19. Review status: no assertion criteria provided. Collection method: clinical testing. Allele origin: germline. Not counted in ClinVar's aggregate classification.
Comment: This variant is classified as likely benign based on ACMG/AMP sequence variant interpretation guidelines (Richards et al. 2015 PMID: 25741868, with internal and published modifications).

Literature cited by the submitters: PubMed 23734083 (cited by Dept. Genetics and Cancer, Menzies Institute for Medical Research, University of Tasmania and Illumina Laboratory Services, Illumina).